The following is an entry in ClinVar:

ClinVar aggregate classification (germline): Uncertain significance (1 of 4 stars; one submission).

Conditions:
Emery-Dreifuss muscular dystrophy 5, autosomal dominant (EDMD5). Also called: EMERY-DREIFUSS MUSCULAR DYSTROPHY 5. Identifiers: Orphanet 261, MedGen C2751805, MONDO:0013072, OMIM 612999.

Submission:

Labcorp Genetics (formerly Invitae), Labcorp
Classification: Uncertain significance for Emery-Dreifuss muscular dystrophy 5, autosomal dominant. Last evaluated: 2024-03-07. Review status: criteria provided, single submitter. Criteria: Invitae Variant Classification Sherloc (09022015). Collection method: clinical testing. Allele origin: germline.
Comment: This sequence change replaces asparagine, which is neutral and polar, with lysine, which is basic and polar, at codon 594 of the SYNE2 protein (p.Asn594Lys). This variant is not present in population databases (gnomAD no frequency). This variant has not been reported in the literature in individuals affected with SYNE2-related conditions. Algorithms developed to predict the effect of missense changes on protein structure and function output the following: SIFT: "Not Available"; PolyPhen-2: "Benign"; Align-GVGD: "Not Available". The lysine amino acid residue is found in multiple mammalian species, which suggests that this missense change does not adversely affect protein function. In summary, the available evidence is currently insufficient to determine the role of this variant in disease. Therefore, it has been classified as a Variant of Uncertain Significance.

NM_182914.3(SYNE2):c.1782C>A (p.Asn594Lys)

Gene: SYNE2 (spectrin repeat containing nuclear envelope protein 2; plus strand). Cytogenetic location: 14q23.2.
Variant type: single nucleotide variant.
Coding change: c.1782C>A on transcript NM_182914.3 (MANE Select); coding-DNA position 1782, C replaced by A.
Protein change: p.Asn594Lys; replaces asparagine 594 with lysine.
Molecular consequence: missense variant.
Genome position (GRCh38, 1-based): chr14:63,981,119, C>A. VCF-style: chr14-63981119-C-A. GRCh37 (hg19) VCF-style: chr14-64447837-C-A.
Other names: c.1782C>A, p.Asn594Lys (NM_015180.6); short protein forms N594K.
Identifiers: ClinVar variation 3644967 (VCV003644967.2).